The following is an entry in ClinVar:

ClinVar aggregate classification (germline): Conflicting classifications of pathogenicity. Review status: criteria provided, conflicting classifications (1 of 4 stars). 4 submissions from 4 submitters: Uncertain significance (2); Likely benign (2). Last evaluated 2026-06-15.

Conditions:
Wilson disease (WND). Also called: Wilson's disease. Identifiers: Orphanet 905, MedGen C0019202, MONDO:0010200, OMIM 277900. Disease mechanism: loss of function.

Allele frequency attached by ClinVar (database versions not stated): gnomAD exomes 0.00004 and 0.00013; ExAC 0.00007; gnomAD 0.00007; TOPMed 0.00007; ESP Exome Variant Server 0.00008; 1000 Genomes Project 30x 0.00016; 1000 Genomes Project 0.00020.
gnomAD v4.1: 200 of 1,614,102 alleles (0.012%); highest among the groups gnomAD compares: Non-Finnish European, 0.016%; no homozygotes.

Submissions (4):

Women's Health and Genetics/Laboratory Corporation of America, LabCorp
Classification: Uncertain significance. Last evaluated: 2026-06-15. Review status: criteria provided, single submitter. Criteria: LabCorp Variant Classification Summary - May 2015. Collection method: clinical testing. Allele origin: germline.
Comment: Variant summary: ATP7B c.1910A>G (p.Asn637Ser) results in a conservative amino acid change in the encoded protein sequence. Algorithms developed to predict the effect of missense changes on protein structure and function all suggest that this variant is likely to be tolerated. The variant allele was found at a frequency of 4.4e-05 in 249582 control chromosomes. This frequency is not significantly higher than estimated for disease-causing variants in ATP7B, allowing no conclusion about variant significance. To our knowledge, no occurrence of c.1910A>G in individuals affected with ATP7B-related conditions and no experimental evidence demonstrating its impact on protein function have been reported. ClinVar contains an entry for this variant (Variation ID: 1127570). Based on the evidence outlined above, the variant was classified as uncertain significance.

Labcorp Genetics (formerly Invitae), Labcorp
Classification: Likely benign for Wilson disease. Last evaluated: 2026-01-26. Review status: criteria provided, single submitter. Criteria: Invitae Variant Classification Sherloc (09022015). Collection method: clinical testing. Allele origin: germline.

Color Diagnostics, LLC DBA Color Health
Classification: Likely benign for Wilson disease. Last evaluated: 2025-07-08. Review status: criteria provided, single submitter. Criteria: ACMG Guidelines, 2015. Collection method: clinical testing. Allele origin: germline.

ARUP Laboratories, Molecular Genetics and Genomics, ARUP Laboratories
Classification: Uncertain significance for Wilson disease. Last evaluated: 2025-03-20. Review status: criteria provided, single submitter. Criteria: ARUP Molecular Germline Variant Investigation Process 2024. Collection method: clinical testing. Allele origin: germline.
Comment: The ATP7B c.1910A>G; p.Asn637Ser variant (rs61733683), to our knowledge, is not reported in the medical literature but is reported in ClinVar (Variation ID: 1127570). This variant is found in the general population with an overall allele frequency of 0.0046% (13/280982 alleles) in the Genome Aggregation Database (v2.1.1). Computational analyses are uncertain whether this variant is neutral or deleterious (REVEL: 0.171). Due to limited information, the clinical significance of this variant is uncertain at this time.

NM_000053.4(ATP7B):c.1910A>G (p.Asn637Ser)

Gene: ATP7B (ATPase copper transporting beta; minus strand). Cytogenetic location: 13q14.3.
Variant type: single nucleotide variant.
Coding change: c.1910A>G on transcript NM_000053.4 (MANE Select); coding-DNA position 1910, A replaced by G.
Protein change: p.Asn637Ser; replaces asparagine 637 with serine.
Molecular consequence: missense variant. On other transcripts: intron variant (2).
Genome position (GRCh38, 1-based): chr13:51,961,873, T>C on the plus strand (A>G on the coding strand, the complement: ATP7B is on the minus strand). VCF-style: chr13-51961873-T-C. GRCh37 (hg19) VCF-style: chr13-52536009-T-C.
Other names: c.1577A>G, p.Asn526Ser (NM_001243182.2); c.1910A>G, p.Asn637Ser (NM_001330578.2); c.1869+2999A>G (NM_001005918.3, NM_001330579.2); short protein forms N526S, N637S.
Identifiers: ClinVar variation 1127570 (VCV001127570.12), dbSNP rs61733683, ClinGen allele CA6989178.